The following is an entry in ClinVar:

NM_001754.5(RUNX1):c.938T>C (p.Leu313Pro)

Gene: RUNX1 (RUNX family transcription factor 1; minus strand). Cytogenetic location: 21q22.12.
Variant type: single nucleotide variant.
Coding change: c.938T>C on transcript NM_001754.5 (MANE Select); coding-DNA position 938, T replaced by C.
Protein change: p.Leu313Pro; replaces leucine 313 with proline.
Molecular consequence: missense variant.
Genome position (GRCh38, 1-based): chr21:34,799,330, A>G on the plus strand (T>C on the coding strand, the complement: RUNX1 is on the minus strand). VCF-style: chr21-34799330-A-G. GRCh37 (hg19) VCF-style: chr21-36171627-A-G.
Other names: NM_001754.5(RUNX1):c.938T>C; p.Leu313Pro; c.857T>C, p.Leu286Pro (NM_001001890.3); c.938T>C (NM_001754.4); short protein forms L286P, L313P.
Identifiers: ClinVar variation 1022744 (VCV001022744.10), dbSNP rs766264813, ClinGen allele CA410149618.

ClinVar aggregate classification (germline): Uncertain significance. Review status: reviewed by expert panel (3 of 4 stars). 3 submissions from 3 submitters: Uncertain significance (1). 2 of the submissions do not count toward it. Last evaluated 2024-08-16.

Conditions:
Inborn genetic diseases. Identifiers: MedGen C0950123, MeSH D030342.
Hereditary thrombocytopenia and hematologic cancer predisposition syndrome. Identifiers: Orphanet 71290, MedGen CN281654, MONDO:0011071.
Hereditary thrombocytopenia and hematological cancer predisposition syndrome associated with RUNX1. Also called: Familial thrombocytopenia with propensity to acute myelogenous leukemia; PLATELET DISORDER, ASPIRIN-LIKE; RUNX1 Familial Platelet Disorder with Associated Myeloid Malignancies; Familial Platelet Disorder with Propensity to Acute Myelogenous Leukemia. Identifiers: Orphanet 71290, MedGen C1832388, MeSH C563324, MONDO:0100083, OMIM 601399.

Submissions (3):

ClinGen Myeloid Malignancy Variant Curation Expert Panel
Classification: Uncertain significance for Hereditary thrombocytopenia and hematologic cancer predisposition syndrome. Last evaluated: 2024-08-16. Review status: reviewed by expert panel. Criteria: ClinGen MyeloMalig ACMG Specifications v2. Collection method: curation. Allele origin: germline. Inheritance: Autosomal dominant inheritance.
Comment: NM_001754.5(RUNX1):c.938T>C (p.Leu313Pro) is a missense variant which has a REVEL score < 0.50 (0.171) and a SpliceAI score ≤ 0.20 (0.0) (BP4). In summary, the clinical significance of this variant is uncertain. ACMG/AMP criteria applied, as specified by the Myeloid Malignancy Variant Curation Expert Panel for RUNX1: BP4.

Ambry Genetics
Classification: Uncertain significance for Inborn genetic diseases. Last evaluated: 2025-07-12. Review status: criteria provided, single submitter. Criteria: Ambry Variant Classification Scheme 2023. Collection method: clinical testing. Allele origin: germline. Not counted in ClinVar's aggregate classification.
Comment: The p.L313P variant (also known as c.938T>C), located in coding exon 7 of the RUNX1 gene, results from a T to C substitution at nucleotide position 938. The leucine at codon 313 is replaced by proline, an amino acid with similar properties. This amino acid position is conserved. In addition, the in silico prediction for this alteration is inconclusive. Based on the available evidence, the clinical significance of this variant remains unclear.

Labcorp Genetics (formerly Invitae), Labcorp
Classification: Uncertain significance for Hereditary thrombocytopenia and hematological cancer predisposition syndrome associated with RUNX1. Last evaluated: 2023-03-18. Review status: criteria provided, single submitter. Criteria: Invitae Variant Classification Sherloc (09022015). Collection method: clinical testing. Allele origin: germline. Not counted in ClinVar's aggregate classification.
Comment: In summary, the available evidence is currently insufficient to determine the role of this variant in disease. Therefore, it has been classified as a Variant of Uncertain Significance. Advanced modeling of protein sequence and biophysical properties (such as structural, functional, and spatial information, amino acid conservation, physicochemical variation, residue mobility, and thermodynamic stability) performed at Invitae indicates that this missense variant is not expected to disrupt RUNX1 protein function. ClinVar contains an entry for this variant (Variation ID: 1022744). This variant has not been reported in the literature in individuals affected with RUNX1-related conditions. This variant is not present in population databases (gnomAD no frequency). This sequence change replaces leucine, which is neutral and non-polar, with proline, which is neutral and non-polar, at codon 313 of the RUNX1 protein (p.Leu313Pro).